The following is an entry in ClinVar:

ClinVar aggregate classification (germline): Uncertain significance (1 of 4 stars; one submission).

Allele frequency attached by ClinVar (database versions not stated): ExAC 0.00001; gnomAD exomes 0.00001.
gnomAD v4.1: 10 of 1,614,118 alleles (0.00062%); highest among the groups gnomAD compares: Non-Finnish European, 0.00068%; no homozygotes.

Submission:

Labcorp Genetics (formerly Invitae), Labcorp
Classification: Uncertain significance. Last evaluated: 2021-10-06. Review status: criteria provided, single submitter. Criteria: Invitae Variant Classification Sherloc (09022015). Collection method: clinical testing. Allele origin: germline.
Comment: This variant has not been reported in the literature in individuals affected with ARHGEF18-related conditions. In summary, the available evidence is currently insufficient to determine the role of this variant in disease. Therefore, it has been classified as a Variant of Uncertain Significance. Algorithms developed to predict the effect of missense changes on protein structure and function output the following: SIFT: "Tolerated"; PolyPhen-2: "Benign"; Align-GVGD: "Class C0". The aspartic acid amino acid residue is found in multiple mammalian species, which suggests that this missense change does not adversely affect protein function. This variant is present in population databases (rs758222179, ExAC 0.002%). This sequence change replaces glutamic acid with aspartic acid at codon 584 of the ARHGEF18 protein (p.Glu584Asp). The glutamic acid residue is highly conserved and there is a small physicochemical difference between glutamic acid and aspartic acid.

NM_001367823.1(ARHGEF18):c.2316G>C (p.Glu772Asp)

Gene: ARHGEF18 (Rho/Rac guanine nucleotide exchange factor 18; plus strand). Cytogenetic location: 19p13.2.
Variant type: single nucleotide variant.
Coding change: c.2316G>C on transcript NM_001367823.1 (MANE Select); coding-DNA position 2316, G replaced by C.
Protein change: p.Glu772Asp; replaces glutamic acid 772 with aspartic acid.
Molecular consequence: missense variant.
Genome position (GRCh38, 1-based): chr19:7,458,646, G>C. VCF-style: chr19-7458646-G-C. GRCh37 (hg19) VCF-style: chr19-7523532-G-C.
Other names: c.1590G>C, p.Glu530Asp (NM_001130955.2); c.1278G>C, p.Glu426Asp (NM_001367824.1, NM_015318.4); short protein forms E530D, E772D, E426D.
Identifiers: ClinVar variation 1419410 (VCV001419410.6), dbSNP rs758222179, ClinGen allele CA9136782.